The following is an entry in ClinVar:

ClinVar aggregate classification (germline): Likely benign. Review status: criteria provided, multiple submitters, no conflicts (2 of 4 stars). 2 submissions from 2 submitters: Likely benign (2). Last evaluated 2024-10-23.

Conditions:
Developmental and epileptic encephalopathy, 2 (DEE2). Also called: INFANTILE SPASM SYNDROME, X-LINKED 2; CDKL5 deficiency disorder. Identifiers: Orphanet 1934, Orphanet 3451, Orphanet 505652, MedGen C4750718, MONDO:0010396, OMIM 300672.
Angelman syndrome-like. Identifiers: MedGen CN128785.

Allele frequency attached by ClinVar (database versions not stated): gnomAD exomes 0.00001.
gnomAD v4.1: 7 of 1,180,455 alleles (0.00059%); highest among the groups gnomAD compares: Middle Eastern, 0.024%; no homozygotes.

Submissions (2):

Labcorp Genetics (formerly Invitae), Labcorp
Classification: Likely benign for Developmental and epileptic encephalopathy, 2; Angelman syndrome-like. Last evaluated: 2024-10-23. Review status: criteria provided, single submitter. Criteria: Invitae Variant Classification Sherloc (09022015). Collection method: clinical testing. Allele origin: germline.

GeneDx
Classification: Likely benign. Last evaluated: 2016-12-05. Review status: criteria provided, single submitter. Criteria: GeneDx Variant Classification (06012015). Collection method: clinical testing. Allele origin: germline. Affected: yes.
Comment: This variant is considered likely benign or benign based on one or more of the following criteria: it is a conservative change, it occurs at a poorly conserved position in the protein, it is predicted to be benign by multiple in silico algorithms, and/or has population frequency not consistent with disease.

NM_001323289.2(CDKL5):c.462T>C (p.Phe154=)

Gene: CDKL5 (cyclin dependent kinase like 5; plus strand). Cytogenetic location: Xp22.13.
Variant type: single nucleotide variant.
Coding change: c.462T>C on transcript NM_001323289.2 (MANE Select); coding-DNA position 462, T replaced by C.
Protein change: p.Phe154=; no amino-acid change (phenylalanine 154 retained).
Molecular consequence: synonymous variant.
Genome position (GRCh38, 1-based): chrX:18,581,949, T>C. VCF-style: chrX-18581949-T-C. GRCh37 (hg19) VCF-style: chrX-18600069-T-C.
Other names: c.462T>C, p.Phe154= (NM_001037343.2, NM_003159.3).
Identifiers: ClinVar variation 373584 (VCV000373584.13), dbSNP rs898874642, ClinGen allele CA16043200.
Genomic context (GRCh38, chrX:18,581,949, plus strand): 5'-AGATATAAAACCAGAAAATCTCTTAATCAGCCACAATGATGTCCTAAAACTGTGTGACTT[T>C]GGTAAGTTAAAAAGAAATTAAGTCCTGGTACTTACAGAATTAATTTATTGTAACACATAG-3'
Protein context (NP_001310218.1, residues 144-164): SHNDVLKLCD[Phe154=]GFARNLSEGN